The following is an entry in ClinVar:

NM_001379200.1(TBX1):c.200C>A (p.Pro67His)

Gene: TBX1 (T-box transcription factor 1; plus strand). Cytogenetic location: 22q11.21.
Variant type: single nucleotide variant.
Coding change: c.200C>A on transcript NM_001379200.1 (MANE Select); coding-DNA position 200, C replaced by A.
Protein change: p.Pro67His; replaces proline 67 with histidine.
Molecular consequence: missense variant.
Genome position (GRCh38, 1-based): chr22:19,761,043, C>A. VCF-style: chr22-19761043-C-A. GRCh37 (hg19) VCF-style: chr22-19748566-C-A.
Other names: c.173C>A, p.Pro58His (NM_005992.1, NM_080646.2, NM_080647.1); short protein forms P58H, P67H.
Identifiers: ClinVar variation 1779158 (VCV001779158.2), dbSNP rs1936641756, ClinGen allele CA410681360.

ClinVar aggregate classification (germline): Uncertain significance (1 of 4 stars; one submission).

Conditions:
Cardiovascular phenotype. Identifiers: MedGen CN230736.

Submission:

Ambry Genetics
Classification: Uncertain significance for Cardiovascular phenotype. Last evaluated: 2021-12-23. Review status: criteria provided, single submitter. Criteria: Ambry Variant Classification Scheme 2023. Collection method: clinical testing. Allele origin: germline.
Comment: The p.P58H variant (also known as c.173C>A), located in coding exon 2 of the TBX1 gene, results from a C to A substitution at nucleotide position 173. The proline at codon 58 is replaced by histidine, an amino acid with similar properties. This amino acid position is conserved. In addition, this alteration is predicted to be tolerated by in silico analysis. Since supporting evidence is limited at this time, the clinical significance of this alteration remains unclear.